The following is an entry in ClinVar:

ClinVar aggregate classification (germline): Benign/Likely benign. Review status: criteria provided, multiple submitters, no conflicts (2 of 4 stars). 2 submissions from 2 submitters: Benign (1); Likely benign (1). Last evaluated 2025-01-02.

Conditions:
Lynch syndrome 5 (LYNCH5). Also called: Colorectal cancer, hereditary nonpolyposis, type 5; Hereditary non-polyposis colorectal cancer, type 5. Identifiers: Orphanet 144, MedGen C1833477, MONDO:0013710, OMIM 614350. Disease mechanism: loss of function.
Hereditary cancer-predisposing syndrome. Also called: Tumor predisposition; Hereditary Cancer Syndrome; Neoplastic Syndromes, Hereditary; Hereditary neoplastic syndrome. Identifiers: Orphanet 140162, MedGen C0027672, MeSH D009386, MONDO:0015356.

Allele frequency attached by ClinVar (database versions not stated): gnomAD exomes below 0.00001.
gnomAD v4.1: 1 of 1,596,446 alleles (0.000063%); highest among the groups gnomAD compares: Non-Finnish European, 0.000085%; no homozygotes.

Submissions (2):

Myriad Genetics, Inc.
Classification: Benign for Lynch syndrome 5. Last evaluated: 2025-01-02. Review status: criteria provided, single submitter. Criteria: Myriad Autosomal Dominant, Autosomal Recessive and X-Linked Classification Criteria (2023). Collection method: clinical testing. Allele origin: unknown.
Comment: This variant is considered benign. This variant is a silent/synonymous amino acid change and it is not expected to impact splicing.

Color Diagnostics, LLC DBA Color Health
Classification: Likely benign for Hereditary cancer-predisposing syndrome. Last evaluated: 2021-05-10. Review status: criteria provided, single submitter. Criteria: ACMG Guidelines, 2015. Collection method: clinical testing. Allele origin: germline.

NM_000179.3(MSH6):c.3063T>C (p.Ala1021=)

Gene: MSH6 (mutS homolog 6; plus strand). Cytogenetic location: 2p16.3.
Variant type: single nucleotide variant.
Coding change: c.3063T>C on transcript NM_000179.3 (MANE Select); coding-DNA position 3063, T replaced by C.
Protein change: p.Ala1021=; no amino-acid change (alanine 1021 retained).
Molecular consequence: synonymous variant.
Genome position (GRCh38, 1-based): chr2:47,801,046, T>C. VCF-style: chr2-47801046-T-C. GRCh37 (hg19) VCF-style: chr2-48028185-T-C.
Other names: c.2673T>C, p.Ala891= (NM_001281492.2); c.2157T>C, p.Ala719= (NM_001281493.2, NM_001281494.2).
Identifiers: ClinVar variation 1331965 (VCV001331965.3), dbSNP rs760972942, ClinGen allele CA426121791.